The following is an entry in ClinVar:

ClinVar aggregate classification (germline): Benign (0 of 4 stars; one submission).

Conditions:
ARHGAP26-related disorder. Also called: ARHGAP26-related condition.

Allele frequency attached by ClinVar (database versions not stated): ExAC 0.99382; gnomAD exomes 0.99449; gnomAD 0.99459; ESP Exome Variant Server 0.99623; 1000 Genomes Project 0.99641; 1000 Genomes Project 30x 0.99641; TOPMed 0.99697.
gnomAD v4.1: 1,504,313 of 1,512,600 alleles (99%); highest among the groups gnomAD compares: East Asian, 100%; 748,070 homozygotes.

Submission:

PreventionGenetics, part of Exact Sciences
Classification: Benign for ARHGAP26-related condition. Last evaluated: 2019-10-30. Review status: no assertion criteria provided. Collection method: clinical testing. Allele origin: germline.
Comment: This variant is classified as benign based on ACMG/AMP sequence variant interpretation guidelines (Richards et al. 2015 PMID: 25741868, with internal and published modifications).

NM_001135608.3(ARHGAP26):c.2190C>T (p.Asn730=)

Gene: ARHGAP26 (Rho GTPase activating protein 26; plus strand). Cytogenetic location: 5q31.3.
Variant type: single nucleotide variant.
Coding change: c.2190C>T on transcript NM_001135608.3 (MANE Select); coding-DNA position 2190, C replaced by T.
Protein change: p.Asn730=; no amino-acid change (asparagine 730 retained).
Molecular consequence: synonymous variant. On other transcripts: non-coding transcript variant (1).
Genome position (GRCh38, 1-based): chr5:143,214,087, C>T. VCF-style: chr5-143214087-C-T. GRCh37 (hg19) VCF-style: chr5-142593652-C-T.
Other names: c.1971C>T, p.Asn657= (NM_001349547.2); c.2355C>T, p.Asn785= (NM_015071.6).
Identifiers: ClinVar variation 3059495 (VCV003059495.2), dbSNP rs258819, ClinGen allele CA3486604.